The following is an entry in ClinVar:

ClinVar aggregate classification (germline): Uncertain significance (1 of 4 stars; one submission).

Conditions:
MHC class I deficiency. Identifiers: Orphanet 34592, MedGen C6024714, MONDO:0011476.

Submission:

Labcorp Genetics (formerly Invitae), Labcorp
Classification: Uncertain significance for MHC class I deficiency 1. Last evaluated: 2024-11-18. Review status: criteria provided, single submitter. Criteria: Invitae Variant Classification Sherloc (09022015). Collection method: clinical testing. Allele origin: germline.
Comment: This sequence change replaces cysteine, which is neutral and slightly polar, with tyrosine, which is neutral and polar, at codon 722 of the TAP1 protein (p.Cys722Tyr). This variant is not present in population databases (gnomAD no frequency). This variant has not been reported in the literature in individuals affected with TAP1-related conditions. An algorithm developed to predict the effect of missense changes on protein structure and function (PolyPhen-2) suggests that this variant is likely to be tolerated. In summary, the available evidence is currently insufficient to determine the role of this variant in disease. Therefore, it has been classified as a Variant of Uncertain Significance.

NM_000593.6(TAP1):c.1985G>A (p.Cys662Tyr)

Gene: TAP1 (transporter 1, ATP binding cassette subfamily B member; minus strand). Cytogenetic location: 6p21.32.
Variant type: single nucleotide variant.
Coding change: c.1985G>A on transcript NM_000593.6 (MANE Select); coding-DNA position 1985, G replaced by A.
Protein change: p.Cys662Tyr; replaces cysteine 662 with tyrosine.
Molecular consequence: missense variant.
Genome position (GRCh38, 1-based): chr6:32,847,123, C>T on the plus strand (G>A on the coding strand, the complement: TAP1 is on the minus strand). VCF-style: chr6-32847123-C-T. GRCh37 (hg19) VCF-style: chr6-32814900-C-T.
Other names: c.1382G>A, p.Cys461Tyr (NM_001292022.2); short protein forms C662Y, C461Y.
Identifiers: ClinVar variation 3664434 (VCV003664434.2).